The following is an entry in ClinVar:

ClinVar aggregate classification (germline): Uncertain significance (1 of 4 stars; one submission).

Submission:

Labcorp Genetics (formerly Invitae), Labcorp
Classification: Uncertain significance. Last evaluated: 2023-08-28. Review status: criteria provided, single submitter. Criteria: Invitae Variant Classification Sherloc (09022015). Collection method: clinical testing. Allele origin: germline.
Comment: This variant is not present in population databases (gnomAD no frequency). In summary, the available evidence is currently insufficient to determine the role of this variant in disease. Therefore, it has been classified as a Variant of Uncertain Significance. Algorithms developed to predict the effect of missense changes on protein structure and function output the following: SIFT: "Not Available"; PolyPhen-2: "Benign"; Align-GVGD: "Not Available". The isoleucine amino acid residue is found in multiple mammalian species, which suggests that this missense change does not adversely affect protein function. This variant has not been reported in the literature in individuals affected with PFN1-related conditions. This sequence change replaces valine, which is neutral and non-polar, with isoleucine, which is neutral and non-polar, at codon 101 of the PFN1 protein (p.Val101Ile).

NM_005022.4(PFN1):c.301G>A (p.Val101Ile)

Gene: PFN1 (profilin 1; minus strand). Cytogenetic location: 17p13.2.
Variant type: single nucleotide variant.
Coding change: c.301G>A on transcript NM_005022.4 (MANE Select); coding-DNA position 301, G replaced by A.
Protein change: p.Val101Ile; replaces valine 101 with isoleucine.
Molecular consequence: missense variant.
Genome position (GRCh38, 1-based): chr17:4,946,652, C>T on the plus strand (G>A on the coding strand, the complement: PFN1 is on the minus strand). VCF-style: chr17-4946652-C-T. GRCh37 (hg19) VCF-style: chr17-4849947-C-T.
Other names: c.301G>A, p.Val101Ile (NM_001375991.1); short protein forms V101I.
Identifiers: ClinVar variation 2755553 (VCV002755553.3), dbSNP rs749741600, ClinGen allele CA397271718.